The following is an entry in ClinVar:

NM_000431.4(MVK):c.413C>T (p.Pro138Leu)

Gene: MVK (mevalonate kinase; plus strand). Cytogenetic location: 12q24.11.
Variant type: single nucleotide variant.
Coding change: c.413C>T on transcript NM_000431.4 (MANE Select); coding-DNA position 413, C replaced by T.
Protein change: p.Pro138Leu; replaces proline 138 with leucine.
Molecular consequence: missense variant. On other transcripts: intron variant (1).
Genome position (GRCh38, 1-based): chr12:109,581,436, C>T. VCF-style: chr12-109581436-C-T. GRCh37 (hg19) VCF-style: chr12-110019241-C-T.
Other names: c.413C>T, p.Pro138Leu (NM_001114185.3); c.371+1490C>T (NM_001301182.2); c.413C>T (NM_000431.3); short protein forms P138L.
Identifiers: ClinVar variation 993657 (VCV000993657.9), dbSNP rs1885211566, ClinGen allele CA386646086.

ClinVar aggregate classification (germline): Uncertain significance. Review status: criteria provided, multiple submitters, no conflicts (2 of 4 stars). 2 submissions from 2 submitters: Uncertain significance (2). Last evaluated 2024-11-06.

Conditions:
MVK-related disorder. Also called: MVK-related disorders; MVK-related condition. Identifiers: MedGen CN239294.

Allele frequency attached by ClinVar (database versions not stated): gnomAD exomes 0.00003.
gnomAD v4.1: 25 of 1,614,116 alleles (0.0015%); highest among the groups gnomAD compares: Non-Finnish European, 0.002%; no homozygotes.

Submissions (2):

PreventionGenetics, part of Exact Sciences
Classification: Uncertain significance for MVK-related condition. Last evaluated: 2024-11-06. Review status: criteria provided, single submitter. Criteria: ACMG Guidelines, 2015. Collection method: clinical testing. Allele origin: germline.
Comment: The MVK c.413C>T variant is predicted to result in the amino acid substitution p.Pro138Leu. To our knowledge, this variant has not been reported in the literature or in a large population database (gnomAD), indicating this variant is rare. At this time, the clinical significance of this variant is uncertain due to the absence of conclusive functional and genetic evidence.

ARUP Laboratories, Molecular Genetics and Genomics, ARUP Laboratories
Classification: Uncertain significance. Last evaluated: 2020-03-10. Review status: criteria provided, single submitter. Criteria: ARUP Molecular Germline Variant Investigation Process. Collection method: clinical testing. Allele origin: germline.
Comment: The MVK c.413C>T; p.Pro138Leu variant, to our knowledge, is not reported in the medical literature or gene specific databases. This variant is also absent from general population databases (Exome Variant Server, Genome Aggregation Database), indicating it is not a common polymorphism. The proline at codon 138 is highly conserved, and computational analyses (SIFT, PolyPhen-2) predict that this variant is deleterious. Due to limited information, the clinical significance of the p.Pro138Leu variant is uncertain at this time.